The following is an entry in ClinVar:

ClinVar aggregate classification (germline): Uncertain significance (1 of 4 stars; one submission).

Conditions:
Ehlers-Danlos syndrome, dermatosparaxis type. Also called: Dermatosparaxis; Ehlers-Danlos syndrome, type VII, autosomal recessive; EDS VIIC. Identifiers: Orphanet 1901, MedGen C2700425, MONDO:0009161, OMIM 225410.

Allele frequency attached by ClinVar (database versions not stated): gnomAD exomes below 0.00001; ExAC 0.00001; gnomAD 0.00001.

Submission:

Labcorp Genetics (formerly Invitae), Labcorp
Classification: Uncertain significance for Ehlers-Danlos syndrome, dermatosparaxis type. Last evaluated: 2021-09-17. Review status: criteria provided, single submitter. Criteria: Invitae Variant Classification Sherloc (09022015). Collection method: clinical testing. Allele origin: germline.
Comment: This sequence change replaces leucine with histidine at codon 348 of the ADAMTS2 protein (p.Leu348His). The leucine residue is highly conserved and there is a moderate physicochemical difference between leucine and histidine. This variant is present in population databases (rs746625854, ExAC 0.002%). This variant has not been reported in the literature in individuals with ADAMTS2-related conditions. Algorithms developed to predict the effect of missense changes on protein structure and function (SIFT, PolyPhen-2, Align-GVGD) all suggest that this variant is likely to be disruptive, but these predictions have not been confirmed by published functional studies and their clinical significance is uncertain. In summary, the available evidence is currently insufficient to determine the role of this variant in disease. Therefore, it has been classified as a Variant of Uncertain Significance.

NM_014244.5(ADAMTS2):c.1043T>A (p.Leu348His)

Gene: ADAMTS2 (ADAM metallopeptidase with thrombospondin type 1 motif 2; minus strand). Cytogenetic location: 5q35.3.
Variant type: single nucleotide variant.
Coding change: c.1043T>A on transcript NM_014244.5 (MANE Select); coding-DNA position 1043, T replaced by A.
Protein change: p.Leu348His; replaces leucine 348 with histidine.
Molecular consequence: missense variant.
Genome position (GRCh38, 1-based): chr5:179,158,812, A>T on the plus strand (T>A on the coding strand, the complement: ADAMTS2 is on the minus strand). VCF-style: chr5-179158812-A-T. GRCh37 (hg19) VCF-style: chr5-178585813-A-T.
Other names: c.1043T>A, p.Leu348His (NM_021599.4); short protein forms L348H.
Identifiers: ClinVar variation 1464525 (VCV001464525.5), dbSNP rs746625854, ClinGen allele CA3596055.